The following is an entry in ClinVar:

ClinVar aggregate classification (germline): Uncertain significance (1 of 4 stars; one submission).

Conditions:
Chuvash polycythemia. Also called: POLYCYTHEMIA, VHL-DEPENDENT. Identifiers: Orphanet 238557, MedGen C1837915, MONDO:0009892, OMIM 263400.
Von Hippel-Lindau syndrome (VHLS). Also called: VHL syndrome; von Hippel–Lindau syndrome; Von Hippel-Lindau. Identifiers: Orphanet 892, MedGen C0019562, MONDO:0008667, OMIM 193300. Disease mechanism: loss of function.

gnomAD v4.1: 1 of 1,606,718 alleles (0.000062%); highest among the groups gnomAD compares: South Asian, 0.0011%; no homozygotes.

Submission:

Labcorp Genetics (formerly Invitae), Labcorp
Classification: Uncertain significance for Von Hippel-Lindau syndrome; Chuvash polycythemia. Last evaluated: 2024-03-05. Review status: criteria provided, single submitter. Criteria: Invitae Variant Classification Sherloc (09022015). Collection method: clinical testing. Allele origin: germline.
Comment: This sequence change replaces proline, which is neutral and non-polar, with threonine, which is neutral and polar, at codon 71 of the VHL protein (p.Pro71Thr). This variant is not present in population databases (gnomAD no frequency). This variant has not been reported in the literature in individuals affected with VHL-related conditions. Advanced modeling of protein sequence and biophysical properties (such as structural, functional, and spatial information, amino acid conservation, physicochemical variation, residue mobility, and thermodynamic stability) performed at Invitae indicates that this missense variant is expected to disrupt VHL protein function with a positive predictive value of 95%. In summary, the available evidence is currently insufficient to determine the role of this variant in disease. Therefore, it has been classified as a Variant of Uncertain Significance.

NM_000551.4(VHL):c.211C>A (p.Pro71Thr)

Gene: VHL (von Hippel-Lindau tumor suppressor; plus strand). Cytogenetic location: 3p25.3.
Variant type: single nucleotide variant.
Coding change: c.211C>A on transcript NM_000551.4 (MANE Select); coding-DNA position 211, C replaced by A.
Protein change: p.Pro71Thr; replaces proline 71 with threonine.
Molecular consequence: missense variant. On other transcripts: non-coding transcript variant (1).
Genome position (GRCh38, 1-based): chr3:10,142,058, C>A. VCF-style: chr3-10142058-C-A. GRCh37 (hg19) VCF-style: chr3-10183742-C-A.
Other names: c.211C>A, p.Pro71Thr (NM_001354723.2, NM_198156.3); short protein forms P71T.
Identifiers: ClinVar variation 3752177 (VCV003752177.2).